The following is an entry in ClinVar:

NM_019842.4(KCNQ5):c.2203C>G (p.Gln735Glu)

Gene: KCNQ5 (potassium voltage-gated channel subfamily Q member 5; plus strand). Cytogenetic location: 6q13.
Variant type: single nucleotide variant.
Coding change: c.2203C>G on transcript NM_019842.4 (MANE Select); coding-DNA position 2203, C replaced by G.
Protein change: p.Gln735Glu; replaces glutamine 735 with glutamic acid.
Molecular consequence: missense variant.
Genome position (GRCh38, 1-based): chr6:73,194,818, C>G. VCF-style: chr6-73194818-C-G. GRCh37 (hg19) VCF-style: chr6-73904541-C-G.
Other names: c.2176C>G, p.Gln726Glu (NM_001160130.2); c.2233C>G, p.Gln745Glu (NM_001160132.2); c.2260C>G, p.Gln754Glu (NM_001160133.2); c.1873C>G, p.Gln625Glu (NM_001160134.2); short protein forms Q625E, Q726E, Q735E, Q745E, Q754E.
Identifiers: ClinVar variation 3360494 (VCV003360494.1).
Genomic context (GRCh38, chr6:73,194,818, plus strand): 5'-CAGGTGCCAATTAGTCAAAGCGATGGCTCAGCAGTGGCAGCCACCAACACCATTGCAAAC[C>G]AAATAAATACGGCACCCAAGCCAGCAGCCCCAACAACTTTACAGATCCCACCTCCTCTCC-3'
Protein context (NP_062816.2, residues 725-745): AVAATNTIAN[Gln735Glu]INTAPKPAAP

ClinVar aggregate classification (germline): Uncertain significance (1 of 4 stars; one submission).

Submission:

GeneDx
Classification: Uncertain significance. Last evaluated: 2023-07-06. Review status: criteria provided, single submitter. Criteria: GeneDx Variant Classification Process June 2021. Collection method: clinical testing. Allele origin: germline. Affected: yes.
Comment: Not observed at significant frequency in large population cohorts (gnomAD); In silico analysis supports that this missense variant does not alter protein structure/function; Has not been previously published as pathogenic or benign to our knowledge